The following is an entry in ClinVar:

NM_198253.3(TERT):c.3350C>A (p.Ala1117Asp)

Gene: TERT (telomerase reverse transcriptase; minus strand). Cytogenetic location: 5p15.33.
Variant type: single nucleotide variant.
Coding change: c.3350C>A on transcript NM_198253.3 (MANE Select); coding-DNA position 3350, C replaced by A.
Protein change: p.Ala1117Asp; replaces alanine 1117 with aspartic acid.
Molecular consequence: missense variant. On other transcripts: non-coding transcript variant (2).
Genome position (GRCh38, 1-based): chr5:1,253,777, G>T on the plus strand (C>A on the coding strand, the complement: TERT is on the minus strand). VCF-style: chr5-1253777-G-T. GRCh37 (hg19) VCF-style: chr5-1253892-G-T.
Other names: c.3161C>A, p.Ala1054Asp (NM_001193376.3); short protein forms A1054D, A1117D.
Identifiers: ClinVar variation 662421 (VCV000662421.10), dbSNP rs372822033, ClinGen allele CA112922550.

ClinVar aggregate classification (germline): Uncertain significance. Review status: criteria provided, multiple submitters, no conflicts (2 of 4 stars). 2 submissions from 2 submitters: Uncertain significance (2). Last evaluated 2024-09-01.

Conditions:
Idiopathic Pulmonary Fibrosis. Also called: Idiopathic fibrosing alveolitis, chronic form; idiopathic fibrosing alveolitis. Identifiers: Orphanet 2032, MedGen C1800706, MeSH D054990, MONDO:0800504.
Dyskeratosis congenita, autosomal dominant 2. Identifiers: MedGen C3151443, MONDO:0013521, OMIM 613989.
Dyskeratosis congenita. Identifiers: Orphanet 1775, MedGen C0265965, MONDO:0015780.

Allele frequency attached by ClinVar (database versions not stated): TOPMed 0.00001; ESP Exome Variant Server 0.00008.

Submissions (2):

Ambry Genetics
Classification: Uncertain significance for Dyskeratosis congenita. Last evaluated: 2024-09-01. Review status: criteria provided, single submitter. Criteria: Ambry Variant Classification Scheme 2023. Collection method: clinical testing. Allele origin: germline.
Comment: The p.A1117D variant (also known as c.3350C>A), located in coding exon 16 of the TERT gene, results from a C to A substitution at nucleotide position 3350. The alanine at codon 1117 is replaced by aspartic acid, an amino acid with dissimilar properties. This amino acid position is conserved. In addition, the in silico prediction for this alteration is inconclusive. Based on the available evidence, the clinical significance of this variant remains unclear.

Labcorp Genetics (formerly Invitae), Labcorp
Classification: Uncertain significance for Dyskeratosis congenita, autosomal dominant 2; Idiopathic Pulmonary Fibrosis. Last evaluated: 2024-02-17. Review status: criteria provided, single submitter. Criteria: Invitae Variant Classification Sherloc (09022015). Collection method: clinical testing. Allele origin: germline.
Comment: This sequence change replaces alanine, which is neutral and non-polar, with aspartic acid, which is acidic and polar, at codon 1117 of the TERT protein (p.Ala1117Asp). This variant is not present in population databases (gnomAD no frequency). This variant has not been reported in the literature in individuals affected with TERT-related conditions. ClinVar contains an entry for this variant (Variation ID: 662421). Advanced modeling of protein sequence and biophysical properties (such as structural, functional, and spatial information, amino acid conservation, physicochemical variation, residue mobility, and thermodynamic stability) has been performed at Invitae for this missense variant, however the output from this modeling did not meet the statistical confidence thresholds required to predict the impact of this variant on TERT protein function. In summary, the available evidence is currently insufficient to determine the role of this variant in disease. Therefore, it has been classified as a Variant of Uncertain Significance.